The following is an entry in ClinVar:

ClinVar aggregate classification (germline): Pathogenic (1 of 4 stars; one submission).

Conditions:
CHARGE syndrome (CHARGE). Also called: Hittner Hirsch Kreh syndrome; CHARGE ASSOCIATION--COLOBOMA, HEART ANOMALY, CHOANAL ATRESIA, RETARDATION, GENITAL AND EAR ANOMALIES; Coloboma, heart anomaly, choanal atresia, retardation, genital and ear anomalies; CHARGE association; Hall-Hittner syndrome. Identifiers: Orphanet 138, MedGen C0265354, MONDO:0008965.

Submission:

Labcorp Genetics (formerly Invitae), Labcorp
Classification: Pathogenic for CHARGE syndrome. Last evaluated: 2022-11-10. Review status: criteria provided, single submitter. Criteria: Invitae Variant Classification Sherloc (09022015). Collection method: clinical testing. Allele origin: germline.
Comment: This sequence change creates a premature translational stop signal (p.Ser958Phefs*5) in the CHD7 gene. It is expected to result in an absent or disrupted protein product. Loss-of-function variants in CHD7 are known to be pathogenic (PMID: 22461308, 25077900). This variant is not present in population databases (gnomAD no frequency). This variant has not been reported in the literature in individuals affected with CHD7-related conditions. For these reasons, this variant has been classified as Pathogenic.

Literature cited by the submitters: PubMed 22461308; PubMed 25077900.

NM_017780.4(CHD7):c.2872_2873del (p.Ser958fs)

Gene: CHD7 (chromodomain helicase DNA binding protein 7; plus strand). Cytogenetic location: 8q12.2.
Variant type: Microsatellite.
Coding change: c.2872_2873del on transcript NM_017780.4 (MANE Select); coding-DNA positions 2872 to 2873, 2 bases deleted (AG; older notation c.2872_2873delAG).
Protein change: p.Ser958fs; shifts the reading frame from serine 958.
Molecular consequence: frameshift variant. On other transcripts: intron variant (1).
Genome position (GRCh38, 1-based): chr8:60,822,060-60,822,061, AG deleted; deleting any 2 consecutive bases within chr8:60,822,057-60,822,061 gives the same sequence; the c. name uses the placement nearest the transcript's 3' end. VCF-style (leftmost placement, unchanged base first): chr8-60822056-GGA-G. GRCh37 (hg19) VCF-style: chr8-61734615-GGA-G.
Other names: c.1717-40169_1717-40168del (NM_001316690.1); short protein forms S958fs.
Identifiers: ClinVar variation 2033837 (VCV002033837.4), dbSNP rs2487807171, ClinGen allele CA2580617163.